The following is an entry in ClinVar:

ClinVar aggregate classification (germline): Uncertain significance (1 of 4 stars; one submission).

Conditions:
Spondyloepiphyseal dysplasia, Kimberley type. Identifiers: Orphanet 93283, MedGen C1842149, MONDO:0012019, OMIM 608361.
Short stature and advanced bone age, with or without early-onset osteoarthritis and/or osteochondritis dissecans (SSOAOD). Identifiers: Orphanet 251262, MedGen C3665488, MONDO:0100462, OMIM 165800.

Submission:

Institute of Human Genetics, Clinical Exome/Genome Diagnostics Group, University Hospital Bonn
Classification: Uncertain significance for Spondyloepiphyseal dysplasia, Kimberley type; Short stature and advanced bone age, with or without early-onset osteoarthritis and/or osteochondritis dissecans. Last evaluated: 2025-01-16. Review status: criteria provided, single submitter. Criteria: ACMG Guidelines, 2015. Collection method: clinical testing. Allele origin: de novo. Inheritance: Autosomal dominant inheritance. Observed: 1 heterozygote.
Comment: PS2, PM2_supporting

NM_001369268.1(ACAN):c.1604+48G>C

Gene: ACAN (aggrecan; plus strand). Cytogenetic location: 15q26.1.
Variant type: single nucleotide variant.
Coding change: c.1604+48G>C on transcript NM_001369268.1 (MANE Select); 48 bases into the intron after coding-DNA position 1604, G replaced by C.
Molecular consequence: intron variant.
Genome position (GRCh38, 1-based): chr15:88,847,465, G>C. VCF-style: chr15-88847465-G-C. GRCh37 (hg19) VCF-style: chr15-89390696-G-C.
Other names: c.1604+48G>C (NM_013227.4, NM_001411097.1, NM_001411096.1 and 1 more transcripts).
Identifiers: ClinVar variation 3776755 (VCV003776755.1).